The following is an entry in ClinVar:

NM_017563.5(IL17RD):c.558C>T (p.Asp186=)

Gene: IL17RD (interleukin 17 receptor D; minus strand). Cytogenetic location: 3p14.3.
Variant type: single nucleotide variant.
Coding change: c.558C>T on transcript NM_017563.5 (MANE Select); coding-DNA position 558, C replaced by T.
Protein change: p.Asp186=; no amino-acid change (aspartic acid 186 retained).
Molecular consequence: synonymous variant.
Genome position (GRCh38, 1-based): chr3:57,106,147, G>A on the plus strand (C>T on the coding strand, the complement: IL17RD is on the minus strand). VCF-style: chr3-57106147-G-A. GRCh37 (hg19) VCF-style: chr3-57140175-G-A.
Other names: c.558C>T, p.Asp186= (NM_001080973.1); c.126C>T, p.Asp42= (NM_001318864.2).
Identifiers: ClinVar variation 3041790 (VCV003041790.2), dbSNP rs2471617273, ClinGen allele CA434141155.
Genomic context (GRCh38, chr3:57,106,147, plus strand): 5'-TAGATAAGAACACTATTACTTACAGGGTTTACAAGCTAGATTGTCCGGCTGTAACAACAG[G>A]TCACAGGCTATTAAGAGAATAAAGATACATGTTTTTAGTTTTAGGACAGTTAGACATTTT-3'
Protein context (NP_060033.3, residues 176-196): HPFFFRTRAC[Asp186=]LLLQPDNLAC

ClinVar aggregate classification (germline): Likely benign (0 of 4 stars; one submission).

Conditions:
IL17RD-related disorder. Also called: IL17RD-related condition.

Submission:

PreventionGenetics, part of Exact Sciences
Classification: Likely benign for IL17RD-related condition. Last evaluated: 2019-05-07. Review status: no assertion criteria provided. Collection method: clinical testing. Allele origin: germline.
Comment: This variant is classified as likely benign based on ACMG/AMP sequence variant interpretation guidelines (Richards et al. 2015 PMID: 25741868, with internal and published modifications).